The following is an entry in ClinVar:

ClinVar aggregate classification (germline): Uncertain significance. Review status: criteria provided, multiple submitters, no conflicts (2 of 4 stars). 5 submissions from 5 submitters: Uncertain significance (5). Last evaluated 2024-09-24.

Conditions:
Familial thoracic aortic aneurysm and aortic dissection (TAAD). Also called: Thoracic aortic aneurysms and dissections. Identifiers: Orphanet 91387, MedGen C4707243, MONDO:0019625.
Marfan syndrome (MFS). Also called: FBN1-Related Marfan Syndrome; Marfan syndrome type 1; Marfan's syndrome; Marfan syndrome, classic; MARFAN SYNDROME, TYPE I. Identifiers: Orphanet 284963, Orphanet 558, MedGen C0024796, MONDO:0007947, OMIM 154700.

Allele frequency attached by ClinVar (database versions not stated): gnomAD exomes 0.00001; ExAC 0.00001.
gnomAD v4.1: 10 of 1,613,760 alleles (0.00062%); highest among the groups gnomAD compares: East Asian, 0.0045%; no homozygotes.

Submissions (5):

Color Diagnostics, LLC DBA Color Health
Classification: Uncertain significance for Familial thoracic aortic aneurysm and aortic dissection. Last evaluated: 2024-09-24. Review status: criteria provided, single submitter. Criteria: ACMG Guidelines, 2015. Collection method: clinical testing. Allele origin: germline.
Comment: This missense variant replaces glycine with serine at codon 2199 of the FBN1 protein. Computational prediction suggests that this variant may have deleterious impact on protein structure and function. To our knowledge, functional studies have not been reported for this variant. This variant has been reported in an individual affected with thoracic aortic aneurysm (Gillis 2019, doctoral thesis at the University of Antwerp, Belgium) and in an individual suspected of having Marfan syndrome, who also carried a variant of uncertain significance in the FBN2 gene (PMID: 31506931). This variant has been identified in 3/251244 chromosomes in the general population by the Genome Aggregation Database (gnomAD). The available evidence is insufficient to determine the role of this variant in disease conclusively. Therefore, this variant is classified as a Variant of Uncertain Significance.

All of Us Research Program, National Institutes of Health
Classification: Uncertain significance for Marfan syndrome. Last evaluated: 2024-08-08. Review status: criteria provided, single submitter. Criteria: ACMG Guidelines, 2015. Collection method: clinical testing. Allele origin: germline. Inheritance: Autosomal dominant inheritance. Observed: 4 variant alleles, 4 heterozygotes.
Comment: This study involves interpretation of variants in research participants for the purpose of population health screening. Participant phenotype was not available at the time of variant classification. Additional details can be found in publication PMID: 35346344, PMCID: PMC8962531

Blueprint Genetics
Classification: Uncertain significance. Last evaluated: 2022-12-14. Review status: criteria provided, single submitter. Criteria: ACMG Guidelines, 2015. Collection method: clinical testing. Allele origin: germline.

AiLife Diagnostics
Classification: Uncertain significance. Last evaluated: 2021-12-21. Review status: criteria provided, single submitter. Criteria: ACMG Guidelines, 2015. Collection method: clinical testing. Allele origin: germline. Affected: yes. Observed: 1 variant allele.

Labcorp Genetics (formerly Invitae), Labcorp
Classification: Uncertain significance for Marfan syndrome; Familial thoracic aortic aneurysm and aortic dissection. Last evaluated: 2018-08-05. Review status: criteria provided, single submitter. Criteria: Invitae Variant Classification Sherloc (09022015). Collection method: clinical testing. Allele origin: germline.
Comment: This sequence change replaces glycine with serine at codon 2199 of the FBN1 protein (p.Gly2199Ser). The glycine residue is moderately conserved and there is a small physicochemical difference between glycine and serine. This variant is present in population databases (rs770132403, ExAC 0.006%). This variant has been observed in an individual with aortic dissection (PMID:¬†28973303). Algorithms developed to predict the effect of missense changes on protein structure and function are either unavailable or do not agree on the potential impact of this missense change (SIFT: "Deleterious"; PolyPhen-2: "Probably Damaging"; Align-GVGD: "Class C0"). In summary, the available evidence is currently insufficient to determine the role of this variant in disease. Therefore, it has been classified as a Variant of Uncertain Significance.

Literature cited by the submitters: PubMed 31506931 (cited by Color Diagnostics, LLC DBA Color Health and AiLife Diagnostics); PubMed 28973303 (cited by AiLife Diagnostics).

NM_000138.5(FBN1):c.6595G>A (p.Gly2199Ser)

Gene: FBN1 (fibrillin 1; minus strand). Cytogenetic location: 15q21.1.
Variant type: single nucleotide variant.
Coding change: c.6595G>A on transcript NM_000138.5 (MANE Select); coding-DNA position 6595, G replaced by A.
Protein change: p.Gly2199Ser; replaces glycine 2199 with serine.
Molecular consequence: missense variant.
Genome position (GRCh38, 1-based): chr15:48,434,615, C>T on the plus strand (G>A on the coding strand, the complement: FBN1 is on the minus strand). VCF-style: chr15-48434615-C-T. GRCh37 (hg19) VCF-style: chr15-48726812-C-T.
Other names: short protein forms G2199S.
Identifiers: ClinVar variation 575545 (VCV000575545.8), dbSNP rs770132403, ClinGen allele CA057037.
Genomic context (GRCh38, chr15:48,434,615, plus strand): 5'-AGTACACGTAATCAACTGTTCTCTGTTTAAGAGATGTACCTTCACATGTCATCATTGGAC[C>T]GGGCTCAAATCCCTCCTCGCAGGTGCATTCAAAACCTCCAATCACATTCTTGCAGGTTCC-3'
Protein context (NP_000129.3, residues 2189-2209): ECTCEEGFEP[Gly2199Ser]PMMTCEDINE